The following is an entry in ClinVar:

NM_005045.4(RELN):c.3638C>T (p.Ala1213Val)

Gene: RELN (reelin; minus strand). Cytogenetic location: 7q22.1.
Variant type: single nucleotide variant.
Coding change: c.3638C>T on transcript NM_005045.4 (MANE Select); coding-DNA position 3638, C replaced by T.
Protein change: p.Ala1213Val; replaces alanine 1213 with valine.
Molecular consequence: missense variant.
Genome position (GRCh38, 1-based): chr7:103,594,394, G>A on the plus strand (C>T on the coding strand, the complement: RELN is on the minus strand). VCF-style: chr7-103594394-G-A. GRCh37 (hg19) VCF-style: chr7-103234841-G-A.
Other names: c.3638C>T, p.Ala1213Val (NM_173054.3); short protein forms A1213V.
Identifiers: ClinVar variation 1044325 (VCV001044325.7), dbSNP rs750474453, ClinGen allele CA4421702.

ClinVar aggregate classification (germline): Uncertain significance. Review status: criteria provided, multiple submitters, no conflicts (2 of 4 stars). 2 submissions from 2 submitters: Uncertain significance (2). Last evaluated 2024-03-26.

Conditions:
Familial temporal lobe epilepsy 7. Identifiers: Orphanet 101046, MedGen C4225327, MONDO:0014639, OMIM 616436.
Norman-Roberts syndrome (LIS2). Also called: Lissencephaly 2 (Norman-Roberts type). Identifiers: Orphanet 89844, MedGen C0796089, MONDO:0009760, OMIM 257320.

Allele frequency attached by ClinVar (database versions not stated): gnomAD exomes below 0.00001 and 0.00001; ExAC 0.00001; gnomAD 0.00001; TOPMed 0.00001.
gnomAD v4.1: 12 of 1,613,886 alleles (0.00074%); highest among the groups gnomAD compares: Non-Finnish European, 0.001%; no homozygotes.

Submissions (2):

Blueprint Genetics
Classification: Uncertain significance. Last evaluated: 2024-03-26. Review status: criteria provided, single submitter. Criteria: ACMG Guidelines, 2015. Collection method: clinical testing. Allele origin: germline.

Labcorp Genetics (formerly Invitae), Labcorp
Classification: Uncertain significance for Familial temporal lobe epilepsy 7; Norman-Roberts syndrome. Last evaluated: 2024-03-01. Review status: criteria provided, single submitter. Criteria: Invitae Variant Classification Sherloc (09022015). Collection method: clinical testing. Allele origin: germline.
Comment: This sequence change replaces alanine, which is neutral and non-polar, with valine, which is neutral and non-polar, at codon 1213 of the RELN protein (p.Ala1213Val). This variant is present in population databases (rs750474453, gnomAD 0.0009%). This variant has not been reported in the literature in individuals affected with RELN-related conditions. ClinVar contains an entry for this variant (Variation ID: 1044325). Advanced modeling of protein sequence and biophysical properties (such as structural, functional, and spatial information, amino acid conservation, physicochemical variation, residue mobility, and thermodynamic stability) has been performed at Invitae for this missense variant, however the output from this modeling did not meet the statistical confidence thresholds required to predict the impact of this variant on RELN protein function. In summary, the available evidence is currently insufficient to determine the role of this variant in disease. Therefore, it has been classified as a Variant of Uncertain Significance.